The following is an entry in ClinVar:

ClinVar aggregate classification (germline): Uncertain significance (1 of 4 stars; one submission).

Allele frequency attached by ClinVar (database versions not stated): gnomAD exomes below 0.00001; TOPMed below 0.00001; ExAC 0.00001; gnomAD 0.00001; 1000 Genomes Project 30x 0.00016; 1000 Genomes Project 0.00020.
gnomAD v4.1: 6 of 1,607,554 alleles (0.00037%); highest among the groups gnomAD compares: East Asian, 0.0045%; no homozygotes.

Submission:

ARUP Laboratories, Molecular Genetics and Genomics, ARUP Laboratories
Classification: Uncertain significance. Last evaluated: 2021-04-23. Review status: criteria provided, single submitter. Criteria: ARUP Molecular Germline Variant Investigation Process 2021. Collection method: clinical testing. Allele origin: germline.
Comment: The GARS1 c.2168A>G, p.Tyr723Cys variant (rs559061999), to our knowledge, has not been reported in the medical literature or gene specific databases. This variant is found in the general population with an overall allele frequency of 0.0004% (1/349,550 alleles) in the Genome Aggregation Database. The tyrosine at codon 723 is highly conserved, but computational analyses are uncertain whether this variant is neutral or deleterious (REVEL: 0.677). Based on the available information, the clinical significance of this variant is uncertain.

NM_002047.4(GARS1):c.2168A>G (p.Tyr723Cys)

Gene: GARS1 (glycyl-tRNA synthetase 1; plus strand). Cytogenetic location: 7p14.3.
Variant type: single nucleotide variant.
Coding change: c.2168A>G on transcript NM_002047.4 (MANE Select); coding-DNA position 2168, A replaced by G.
Protein change: p.Tyr723Cys; replaces tyrosine 723 with cysteine.
Molecular consequence: missense variant.
Genome position (GRCh38, 1-based): chr7:30,633,808, A>G. VCF-style: chr7-30633808-A-G. GRCh37 (hg19) VCF-style: chr7-30673424-A-G.
Other names: c.2006A>G, p.Tyr669Cys (NM_001316772.1); short protein forms Y669C, Y723C.
Identifiers: ClinVar variation 1331045 (VCV001331045.7), dbSNP rs559061999, ClinGen allele CA4206175.